The following is an entry in ClinVar:

ClinVar aggregate classification (germline): Likely benign (1 of 4 stars; one submission).

Allele frequency attached by ClinVar (database versions not stated): 1000 Genomes Project 30x 0.00375; 1000 Genomes Project 0.00399; TOPMed 0.00516; gnomAD 0.00593; ExAC 0.00613; ESP Exome Variant Server 0.00738; gnomAD exomes 0.00769.
gnomAD v4.1: 12,174 of 1,614,194 alleles (0.75%); highest among the groups gnomAD compares: Middle Eastern, 1.8%; 60 homozygotes.

Submission:

CeGaT Center for Human Genetics Tuebingen
Classification: Likely benign. Last evaluated: 2023-03-01. Review status: criteria provided, single submitter. Criteria: CeGaT Center For Human Genetics Tuebingen Variant Classification Criteria Version 2. Collection method: clinical testing. Allele origin: germline. Affected: yes. Observed: 1 variant allele.
Comment: CHRNA9: BP4, BP7, BS2

NM_017581.4(CHRNA9):c.234T>C (p.Thr78=)

Gene: CHRNA9 (cholinergic receptor nicotinic alpha 9 subunit; plus strand). Cytogenetic location: 4p14.
Variant type: single nucleotide variant.
Coding change: c.234T>C on transcript NM_017581.4 (MANE Select); coding-DNA position 234, T replaced by C.
Protein change: p.Thr78=; no amino-acid change (threonine 78 retained).
Molecular consequence: synonymous variant.
Genome position (GRCh38, 1-based): chr4:40,337,233, T>C. VCF-style: chr4-40337233-T-C. GRCh37 (hg19) VCF-style: chr4-40339250-T-C.
Identifiers: ClinVar variation 2654735 (VCV002654735.24), dbSNP rs55998310, ClinGen allele CA2897908.